The following is an entry in ClinVar:

NM_001385079.1(PDE10A):c.2085T>C (p.His695=)

Gene: PDE10A (phosphodiesterase 10A; minus strand). Cytogenetic location: 6q27.
Variant type: single nucleotide variant.
Coding change: c.2085T>C on transcript NM_001385079.1 (MANE Select); coding-DNA position 2085, T replaced by C.
Protein change: p.His695=; no amino-acid change (histidine 695 retained).
Molecular consequence: synonymous variant.
Genome position (GRCh38, 1-based): chr6:165,396,451, A>G on the plus strand (T>C on the coding strand, the complement: PDE10A is on the minus strand). VCF-style: chr6-165396451-A-G. GRCh37 (hg19) VCF-style: chr6-165809940-A-G.
Other names: p.His429=; c.1287T>C, p.His429= (NM_001130690.3); c.1257T>C, p.His419= (NM_006661.4).
Identifiers: ClinVar variation 723383 (VCV000723383.14), dbSNP rs111737394, ClinGen allele CA4092196.

ClinVar aggregate classification (germline): Benign. Review status: criteria provided, multiple submitters, no conflicts (2 of 4 stars). 3 submissions from 3 submitters: Benign (2). 1 of the submissions does not count toward it. Last evaluated 2025-12-18.

Conditions:
PDE10A-related disorder. Also called: PDE10A-related condition.

Allele frequency attached by ClinVar (database versions not stated): gnomAD 0.00372; TOPMed 0.00414; ESP Exome Variant Server 0.00461; 1000 Genomes Project 0.00599; 1000 Genomes Project 30x 0.00609.
gnomAD v4.1: 1,228 of 1,610,954 alleles (0.076%); highest among the groups gnomAD compares: African/African-American, 1.4%; 9 homozygotes.

Submissions (3):

Labcorp Genetics (formerly Invitae), Labcorp
Classification: Benign. Last evaluated: 2025-12-18. Review status: criteria provided, single submitter. Criteria: Invitae Variant Classification Sherloc (09022015). Collection method: clinical testing. Allele origin: germline.

Mayo Clinic Laboratories, Mayo Clinic
Classification: Benign. Last evaluated: 2025-04-21. Review status: criteria provided, single submitter. Criteria: ACMG Guidelines, 2015. Collection method: clinical testing. Allele origin: germline. Observed: 2 variant alleles.
Comment: BA1, BP4, BP7

PreventionGenetics, part of Exact Sciences
Classification: Benign for PDE10A-related condition. Last evaluated: 2019-04-05. Review status: no assertion criteria provided. Collection method: clinical testing. Allele origin: germline. Not counted in ClinVar's aggregate classification.
Comment: This variant is classified as benign based on ACMG/AMP sequence variant interpretation guidelines (Richards et al. 2015 PMID: 25741868, with internal and published modifications).